The following is an entry in ClinVar:

NM_000136.3(FANCC):c.410G>T (p.Gly137Val)

Gene: FANCC (FA complementation group C; minus strand). Cytogenetic location: 9q22.32.
Variant type: single nucleotide variant.
Coding change: c.410G>T on transcript NM_000136.3 (MANE Select); coding-DNA position 410, G replaced by T.
Protein change: p.Gly137Val; replaces glycine 137 with valine.
Molecular consequence: missense variant.
Genome position (GRCh38, 1-based): chr9:95,172,083, C>A on the plus strand (G>T on the coding strand, the complement: FANCC is on the minus strand). VCF-style: chr9-95172083-C-A. GRCh37 (hg19) VCF-style: chr9-97934365-C-A.
Other names: c.410G>T, p.Gly137Val (NM_001243743.2, NM_001243744.2); short protein forms G137V.
Identifiers: ClinVar variation 1737911 (VCV001737911.2), dbSNP rs1259422663, ClinGen allele CA374338786.

ClinVar aggregate classification (germline): Uncertain significance (1 of 4 stars; one submission).

Conditions:
Hereditary cancer-predisposing syndrome. Also called: Neoplastic Syndromes, Hereditary; Tumor predisposition; Hereditary Cancer Syndrome; Hereditary neoplastic syndrome. Identifiers: Orphanet 140162, MedGen C0027672, MeSH D009386, MONDO:0015356.

gnomAD v4.1: 1 of 1,613,302 alleles (0.000062%); highest among the groups gnomAD compares: Admixed American, 0.0017%; no homozygotes.

Submission:

Ambry Genetics
Classification: Uncertain significance for Hereditary cancer-predisposing syndrome. Last evaluated: 2022-05-07. Review status: criteria provided, single submitter. Criteria: Ambry Variant Classification Scheme 2023. Collection method: clinical testing. Allele origin: germline.
Comment: The p.G137V variant (also known as c.410G>T), located in coding exon 4 of the FANCC gene, results from a G to T substitution at nucleotide position 410. The glycine at codon 137 is replaced by valine, an amino acid with dissimilar properties. This amino acid position is conserved. In addition, this alteration is predicted to be tolerated by in silico analysis. Since supporting evidence is limited at this time, the clinical significance of this alteration remains unclear.